The following is an entry in ClinVar:

ClinVar aggregate classification (germline): Uncertain significance (1 of 4 stars; one submission).

Submission:

Labcorp Genetics (formerly Invitae), Labcorp
Classification: Uncertain significance. Last evaluated: 2022-06-20. Review status: criteria provided, single submitter. Criteria: Invitae Variant Classification Sherloc (09022015). Collection method: clinical testing. Allele origin: germline.
Comment: In summary, the available evidence is currently insufficient to determine the role of this variant in disease. Therefore, it has been classified as a Variant of Uncertain Significance. Algorithms developed to predict the effect of missense changes on protein structure and function output the following: SIFT: "Tolerated"; PolyPhen-2: "Benign"; Align-GVGD: "Class C0". The histidine amino acid residue is found in multiple mammalian species, which suggests that this missense change does not adversely affect protein function. This variant has not been reported in the literature in individuals affected with MSH3-related conditions. This variant is not present in population databases (gnomAD no frequency). This sequence change replaces tyrosine, which is neutral and polar, with histidine, which is basic and polar, at codon 1106 of the MSH3 protein (p.Tyr1106His).

NM_002439.5(MSH3):c.3316T>C (p.Tyr1106His)

Gene: MSH3 (mutS homolog 3; plus strand). Cytogenetic location: 5q14.1.
Variant type: single nucleotide variant.
Coding change: c.3316T>C on transcript NM_002439.5 (MANE Select); coding-DNA position 3316, T replaced by C.
Protein change: p.Tyr1106His; replaces tyrosine 1106 with histidine.
Molecular consequence: missense variant.
Genome position (GRCh38, 1-based): chr5:80,875,764, T>C. VCF-style: chr5-80875764-T-C. GRCh37 (hg19) VCF-style: chr5-80171583-T-C.
Other names: short protein forms Y1106H.
Identifiers: ClinVar variation 2004590 (VCV002004590.4), dbSNP rs2478808778, ClinGen allele CA360347290.